The following is an entry in ClinVar:

NM_000780.4(CYP7A1):c.1459G>A (p.Gly487Ser)

Gene: CYP7A1 (cytochrome P450 family 7 subfamily A member 1; minus strand). Cytogenetic location: 8q12.1.
Variant type: single nucleotide variant.
Coding change: c.1459G>A on transcript NM_000780.4 (MANE Select); coding-DNA position 1459, G replaced by A.
Protein change: p.Gly487Ser; replaces glycine 487 with serine.
Molecular consequence: missense variant.
Genome position (GRCh38, 1-based): chr8:58,491,531, C>T on the plus strand (G>A on the coding strand, the complement: CYP7A1 is on the minus strand). VCF-style: chr8-58491531-C-T. GRCh37 (hg19) VCF-style: chr8-59404090-C-T.
Other names: short protein forms G487S.
Identifiers: ClinVar variation 4981724 (VCV004981724.1).
Genomic context (GRCh38, chr8:58,491,531, plus strand): 5'-GTATTCACAAATGCTTGAATTTATATTTAAATTCAATATCATTCAATGGCGGCAAAATGC[C>T]CAAGCCTGCCCGGGACTGGTCCAAAGGTGGACATTTAGCTTGGCCCTCTATAAGCTCCAA-3'
Protein context (NP_000771.2, residues 477-497): PPLDQSRAGL[Gly487Ser]ILPPLNDIEF

ClinVar aggregate classification (germline): Uncertain significance (1 of 4 stars; one submission).

Conditions:
CYP7A1-related disorder. Also called: CYP7A1-related condition.

Submission:

PreventionGenetics, part of Exact Sciences
Classification: Uncertain significance for CYP7A1-related condition. Last evaluated: 2025-07-31. Review status: criteria provided, single submitter. Criteria: ACMG Guidelines, 2015. Collection method: clinical testing. Allele origin: germline.
Comment: The CYP7A1 c.1459G>A variant is predicted to result in the amino acid substitution p.Gly487Ser. To our knowledge, this variant has not been reported in the literature. This variant is reported in 0.0029% of alleles in individuals of Latino descent in gnomAD. At this time, the clinical significance of this variant is uncertain due to the absence of conclusive functional and genetic evidence.